The following is an entry in ClinVar:

ClinVar aggregate classification (germline): Uncertain significance (1 of 4 stars; one submission).

Allele frequency attached by ClinVar (database versions not stated): gnomAD 0.00010; ExAC 0.00012; TOPMed 0.00012; ESP Exome Variant Server 0.00023.

Submission:

Labcorp Genetics (formerly Invitae), Labcorp
Classification: Uncertain significance. Last evaluated: 2023-09-12. Review status: criteria provided, single submitter. Criteria: Invitae Variant Classification Sherloc (09022015). Collection method: clinical testing. Allele origin: germline.
Comment: ClinVar contains an entry for this variant (Variation ID: 2187212). In summary, the available evidence is currently insufficient to determine the role of this variant in disease. Therefore, it has been classified as a Variant of Uncertain Significance. Advanced modeling of protein sequence and biophysical properties (such as structural, functional, and spatial information, amino acid conservation, physicochemical variation, residue mobility, and thermodynamic stability) performed at Invitae indicates that this missense variant is expected to disrupt MRPS2 protein function. This variant has not been reported in the literature in individuals affected with MRPS2-related conditions. This variant is present in population databases (rs3180752, gnomAD 0.02%). This sequence change replaces arginine, which is basic and polar, with histidine, which is basic and polar, at codon 188 of the MRPS2 protein (p.Arg188His).

NM_016034.5(MRPS2):c.563G>A (p.Arg188His)

Genes: MRPS2 (mitochondrial ribosomal protein S2; plus strand), LOC101928525 (uncharacterized LOC101928525; minus strand). Cytogenetic location: 9q34.3.
Variant type: single nucleotide variant.
Coding change: c.563G>A on transcript NM_016034.5 (MANE Select); coding-DNA position 563, G replaced by A.
Protein change: p.Arg188His; replaces arginine 188 with histidine.
Molecular consequence: missense variant. On other transcripts: non-coding transcript variant (4).
Genome position (GRCh38, 1-based): chr9:135,503,805, G>A. VCF-style: chr9-135503805-G-A. GRCh37 (hg19) VCF-style: chr9-138395651-G-A.
Other names: c.563G>A, p.Arg188His (NM_001371401.1); short protein forms R188H.
Identifiers: ClinVar variation 2187212 (VCV002187212.3), dbSNP rs3180752, ClinGen allele CA5323979.